The following is an entry in ClinVar:

ClinVar aggregate classification (germline): Likely pathogenic (1 of 4 stars; one submission).

Submission:

Labcorp Genetics (formerly Invitae), Labcorp
Classification: Likely pathogenic. Last evaluated: 2022-09-30. Review status: criteria provided, single submitter. Criteria: Invitae Variant Classification Sherloc (09022015). Collection method: clinical testing. Allele origin: germline.
Comment: In summary, the currently available evidence indicates that the variant is pathogenic, but additional data are needed to prove that conclusively. Therefore, this variant has been classified as Likely Pathogenic. Algorithms developed to predict the effect of sequence changes on RNA splicing suggest that this variant may disrupt the consensus splice site. This variant has not been reported in the literature in individuals affected with LTBP4-related conditions. This variant is not present in population databases (gnomAD no frequency). This sequence change affects a donor splice site in intron 15 of the LTBP4 gene. It is expected to disrupt RNA splicing. Variants that disrupt the donor or acceptor splice site typically lead to a loss of protein function (PMID: 16199547), and loss-of-function variants in LTBP4 are known to be pathogenic (PMID: 19836010, 22829427).

Literature cited by the submitters: PubMed 16199547; PubMed 19836010; PubMed 22829427.

NM_001042545.2(LTBP4):c.1810+1G>T

Gene: LTBP4 (latent transforming growth factor beta binding protein 4; plus strand). Cytogenetic location: 19q13.2.
Variant type: single nucleotide variant.
Coding change: c.1810+1G>T on transcript NM_001042545.2 (MANE Select); the canonical splice donor site of the intron after coding-DNA position 1810, G replaced by T.
Molecular consequence: splice donor variant.
Genome position (GRCh38, 1-based): chr19:40,610,658, G>T. VCF-style: chr19-40610658-G-T. GRCh37 (hg19) VCF-style: chr19-41116564-G-T.
Other names: c.1900+1G>T (NM_003573.2); c.2011+1G>T (NM_001042544.1).
Identifiers: ClinVar variation 2033493 (VCV002033493.4), dbSNP rs2515358792, ClinGen allele CA405937284.